The following is an entry in ClinVar:

ClinVar aggregate classification (germline): Uncertain significance (1 of 4 stars; one submission).

gnomAD v4.1: 1 of 1,614,106 alleles (0.000062%); highest among the groups gnomAD compares: Admixed American, 0.0017%; no homozygotes.

Submission:

Labcorp Genetics (formerly Invitae), Labcorp
Classification: Uncertain significance. Last evaluated: 2022-12-06. Review status: criteria provided, single submitter. Criteria: Invitae Variant Classification Sherloc (09022015). Collection method: clinical testing. Allele origin: germline.
Comment: In summary, the available evidence is currently insufficient to determine the role of this variant in disease. Therefore, it has been classified as a Variant of Uncertain Significance. Advanced modeling of protein sequence and biophysical properties (such as structural, functional, and spatial information, amino acid conservation, physicochemical variation, residue mobility, and thermodynamic stability) performed at Invitae indicates that this missense variant is not expected to disrupt NSMCE3 protein function. This variant has not been reported in the literature in individuals affected with NSMCE3-related conditions. This variant is present in population databases (no rsID available, gnomAD 0.003%). This sequence change replaces proline, which is neutral and non-polar, with leucine, which is neutral and non-polar, at codon 239 of the NSMCE3 protein (p.Pro239Leu).

NM_138704.4(NSMCE3):c.716C>T (p.Pro239Leu)

Genes: ENTREP2 (endosomal transmembrane epsin interactor 2; minus strand), NSMCE3 (NSE3 component of SMC5/6 complex; minus strand). Cytogenetic location: 15q13.1.
Variant type: single nucleotide variant.
Coding change: c.716C>T on transcript NM_138704.4 (MANE Select); coding-DNA position 716, C replaced by T.
Protein change: p.Pro239Leu; replaces proline 239 with leucine.
Molecular consequence: missense variant. On other transcripts: intron variant (5).
Genome position (GRCh38, 1-based): chr15:29,268,990, G>A on the plus strand (C>T on the coding strand, the complement: NSMCE3 is on the minus strand). VCF-style: chr15-29268990-G-A. GRCh37 (hg19) VCF-style: chr15-29561194-G-A.
Other names: c.-12-16512C>T (NM_001387217.1, NM_001387215.1, NM_001387216.1); c.277-16512C>T (NM_001387214.1, NM_015307.2); short protein forms P239L.
Identifiers: ClinVar variation 1900996 (VCV001900996.5), dbSNP rs1290908656, ClinGen allele CA391483650.